The following is an entry in ClinVar:

ClinVar aggregate classification (germline): Uncertain significance. Review status: criteria provided, multiple submitters, no conflicts (2 of 4 stars). 2 submissions from 2 submitters: Uncertain significance (2). Last evaluated 2026-07-02.

Conditions:
Hereditary cancer-predisposing syndrome. Also called: Tumor predisposition; Hereditary neoplastic syndrome; Neoplastic Syndromes, Hereditary; Hereditary Cancer Syndrome. Identifiers: Orphanet 140162, MedGen C0027672, MeSH D009386, MONDO:0015356.
Microcephaly, normal intelligence and immunodeficiency (NBS). Also called: BERLIN BREAKAGE SYNDROME; IMMUNODEFICIENCY, MICROCEPHALY, AND CHROMOSOMAL INSTABILITY; SEEMANOVA SYNDROME II; Ataxia telangiectasia variant V1; Nijmegen breakage syndrome; Microcephaly with normal intelligence immunodeficiency and lymphoreticular malignancies. Identifiers: Orphanet 647, MedGen C0398791, MONDO:0009623, OMIM 251260.

Submissions (2):

Ambry Genetics
Classification: Uncertain significance for Hereditary cancer-predisposing syndrome. Last evaluated: 2026-07-02. Review status: criteria provided, single submitter. Criteria: Ambry Variant Classification Scheme 2023. Collection method: clinical testing. Allele origin: germline.
Comment: The p.A356S variant (also known as c.1066G>T), located in coding exon 9 of the NBN gene, results from a G to T substitution at nucleotide position 1066. The alanine at codon 356 is replaced by serine, an amino acid with similar properties. This amino acid position is conserved. In addition, this alteration is predicted to be tolerated by in silico analysis. Based on the available evidence, the clinical significance of this variant remains unclear.

Labcorp Genetics (formerly Invitae), Labcorp
Classification: Uncertain significance for Microcephaly, normal intelligence and immunodeficiency. Last evaluated: 2025-11-10. Review status: criteria provided, single submitter. Criteria: Invitae Variant Classification Sherloc (09022015). Collection method: clinical testing. Allele origin: germline.
Comment: This sequence change replaces alanine, which is neutral and non-polar, with serine, which is neutral and polar, at codon 356 of the NBN protein (p.Ala356Ser). This variant is not present in population databases (gnomAD no frequency). This variant has not been reported in the literature in individuals affected with NBN-related conditions. ClinVar contains an entry for this variant (Variation ID: 1719779). An algorithm developed to predict the effect of missense changes on protein structure and function (PolyPhen-2) suggests that this variant is likely to be disruptive. In summary, the available evidence is currently insufficient to determine the role of this variant in disease. Therefore, it has been classified as a Variant of Uncertain Significance.

NM_002485.5(NBN):c.1066G>T (p.Ala356Ser)

Gene: NBN (nibrin; minus strand). Cytogenetic location: 8q21.3.
Variant type: single nucleotide variant.
Coding change: c.1066G>T on transcript NM_002485.5 (MANE Select); coding-DNA position 1066, G replaced by T.
Protein change: p.Ala356Ser; replaces alanine 356 with serine.
Molecular consequence: missense variant.
Genome position (GRCh38, 1-based): chr8:89,958,783, C>A on the plus strand (G>T on the coding strand, the complement: NBN is on the minus strand). VCF-style: chr8-89958783-C-A. GRCh37 (hg19) VCF-style: chr8-90971011-C-A.
Other names: c.820G>T, p.Ala274Ser (NM_001024688.3); short protein forms A274S, A356S.
Identifiers: ClinVar variation 1719779 (VCV001719779.6), dbSNP rs777259845, ClinGen allele CA371656680.